The following is an entry in ClinVar:

NM_001371928.1(AHDC1):c.2977G>A (p.Ala993Thr)

Gene: AHDC1 (AT-hook DNA binding motif containing 1; minus strand). Cytogenetic location: 1p36.11.
Variant type: single nucleotide variant.
Coding change: c.2977G>A on transcript NM_001371928.1 (MANE Select); coding-DNA position 2977, G replaced by A.
Protein change: p.Ala993Thr; replaces alanine 993 with threonine.
Molecular consequence: missense variant.
Genome position (GRCh38, 1-based): chr1:27,549,139, C>T on the plus strand (G>A on the coding strand, the complement: AHDC1 is on the minus strand). VCF-style: chr1-27549139-C-T. GRCh37 (hg19) VCF-style: chr1-27875650-C-T.
Other names: c.2977G>A, p.Ala993Thr (NM_001029882.3); short protein forms A993T.
Identifiers: ClinVar variation 2076601 (VCV002076601.4), dbSNP rs545499228, ClinGen allele CA715650.
Genomic context (GRCh38, chr1:27,549,139, plus strand): 5'-TGGGTGAGGCAGGGAGGCTGTTGCCACTGCCATAGGCGAAGCTGCAGTCCTTGCTGTTAG[C>T]GCAGTCCTGGCCTGTAAAGGGCTTAGTTGGGGCGAATACGCTTTGTCCGGCCCCATAGCC-3'
Protein context (NP_001358857.1, residues 983-1003): PTKPFTGQDC[Ala993Thr]NSKDCSFAYG

ClinVar aggregate classification (germline): Uncertain significance (1 of 4 stars; one submission).

Allele frequency attached by ClinVar (database versions not stated): 1000 Genomes Project 0.00020; TOPMed 0.00002; gnomAD 0.00001; ExAC 0.00004; 1000 Genomes Project 30x 0.00016; gnomAD exomes 0.00001.
gnomAD v4.1: 16 of 1,555,568 alleles (0.001%); highest among the groups gnomAD compares: Middle Eastern, 0.017%; no homozygotes.

Submission:

Labcorp Genetics (formerly Invitae), Labcorp
Classification: Uncertain significance. Last evaluated: 2024-11-24. Review status: criteria provided, single submitter. Criteria: Invitae Variant Classification Sherloc (09022015). Collection method: clinical testing. Allele origin: germline.
Comment: This sequence change replaces alanine, which is neutral and non-polar, with threonine, which is neutral and polar, at codon 993 of the AHDC1 protein (p.Ala993Thr). This variant is present in population databases (rs545499228, gnomAD 0.007%). This variant has not been reported in the literature in individuals affected with AHDC1-related conditions. ClinVar contains an entry for this variant (Variation ID: 2076601). An algorithm developed to predict the effect of missense changes on protein structure and function (PolyPhen-2) suggests that this variant is likely to be disruptive. In summary, the available evidence is currently insufficient to determine the role of this variant in disease. Therefore, it has been classified as a Variant of Uncertain Significance.